The following is an entry in ClinVar:

ClinVar aggregate classification (germline): Conflicting classifications of pathogenicity. Review status: criteria provided, conflicting classifications (1 of 4 stars). 24 submissions from 23 submitters: Pathogenic (2); Likely pathogenic (2); Uncertain significance (14); Benign (1); Likely benign (3). 2 of the submissions do not count toward it. Last evaluated 2026-09-09.

Conditions:
CFTR-related disorder (CFTR-RD). Also called: CFTR-related disorders; CFTR-related condition. Identifiers: MedGen C5924204, MONDO:7770004.
Bronchiectasis with or without elevated sweat chloride 1 (BESC1). Also called: Cystic Fibrosis-Like Syndrome. Identifiers: Orphanet 60033, MedGen C2749757, MONDO:0008887, OMIM 211400.
Hereditary pancreatitis (PCTT). Also called: Hereditary chronic pancreatitis; PRSS1-Related Hereditary Pancreatitis. Identifiers: Orphanet 676, MedGen C0238339, MONDO:0008185, OMIM 167800.
Cystic fibrosis (CF). Also called: MUCOVISCIDOSIS. Identifiers: Orphanet 586, MedGen C0010674, MONDO:0009061, OMIM 219700. Disease mechanism: loss of function.
Congenital bilateral aplasia of vas deferens from CFTR mutation (CBAVD). Identifiers: Orphanet 48, MedGen C0403814, MONDO:0010178, OMIM 277180. Disease mechanism: loss of function.

Allele frequency attached by ClinVar (database versions not stated): 1000 Genomes Project 0.00419; TOPMed 0.00061; 1000 Genomes Project 30x 0.00359.
gnomAD v4.1: 948 of 1,614,026 alleles (0.059%); highest among the groups gnomAD compares: East Asian, 1.9%; 18 homozygotes.

Submissions 1 to 7 of 24:

GeneDx
Classification: Uncertain significance. Last evaluated: 2026-09-09. Review status: criteria provided, single submitter. Criteria: GeneDx Variant Classification Process June 2021. Collection method: clinical testing. Allele origin: germline.
Comment: Although this variant has not been reported in the homozygous or compound heterozygous state in individuals with cystic fibrosis, it has been reported in individuals of Asian ancestry with CFTR-related disorders (PMID: 20021716, 21520337, 27578509, 32777524); Case control studies suggest this variant may be associated with pancreatitis in the Asian population; however, the association was not statistically significant in some studies (PMID: 15121783, 30992994, 25492507, 30420730); Published functional studies demonstrate a damaging effect: reduced chloride channel activity and chloride/bicarbonate exchange activity (PMID: 12952861); In silico analysis supports that this missense variant has a deleterious effect on protein structure/function; This variant is associated with the following publications: (PMID: 27578509, 21520337, 16678503, 20981092, 20021716, 16187186, 30420730, 25492507, 17719933, 26089335, 28608624, 30450785, 28687971, 15121783, 31180159, 35119551, 23514810, 33663443, 32777524, 30992994, 38388235, 34931337, 35858753, 36437957, 35753512, 39107787, 40421383, 40065563, 39397452, 39402445, 36335097, 35313924, 42199298, 12952861)

PreventionGenetics, part of Exact Sciences
Classification: Uncertain significance for CFTR-related condition. Last evaluated: 2026-03-10. Review status: criteria provided, single submitter. Criteria: ACMG Guidelines, 2015. Collection method: clinical testing. Allele origin: germline.
Comment: The CFTR c.4056G>C variant is predicted to result in the amino acid substitution p.Gln1352His. This variant has been reported in patients with phenotypes including alcoholic chronic pancreatitis, idiopathic chronic pancreatitis, primary sclerosing cholangitis, and bronchiectasis; it has also been reported in the compound heterozygous state in at least five individuals with congenital bilateral absence of vas deferens (CBAVD) and one individual with cystic fibrosis (Cho et al. 2016. PubMed ID: 27578509; Kondo et al. 2015. PubMed ID: 26089335; Pall et al. 2007. PubMed ID: 17719933; Lee et al. 2003. PubMed ID: 12952861). However, in one cystic fibrosis family, this variant was found in the compound heterozygous state in two unaffected family members (Bienvenu et al. 2005. PubMed ID: 16596947). This variant has been found at higher rates in Asian patients with pancreatitis (12.3%) compared to unaffected controls (3.7%) (Fujiki et al. 2004. PubMed ID: 15121783); however, the majority of these studies were conducted in Eastern Asian population cohorts where the c.4056G>C variant is found at a higher allele frequency. Functional studies in CHO cell lines indicate the p.Gln1352His change decreases CFTR protein expression and chloride channel function (Lee et al. 2003. PubMed ID: 12952861). This variant is reported in 1.3% of alleles in individuals of East Asian descent in gnomAD, including three homozygous individuals, and has conflicting classifications in ClinVar ranging from benign to pathogenic (ClinVar ID: 7237). Taken together we suspect that the c.4056G>C variant exhibits incomplete penetrance or is a risk allele for disease. At this time, the clinical significance of this variant is uncertain due to the absence of conclusive functional and genetic evidence.

Dasa
Classification: Uncertain significance. Last evaluated: 2026-03-04. Review status: criteria provided, single submitter. Criteria: DASA Assertion Criteria. Collection method: clinical testing. Allele origin: germline.
Comment: NM_000492.4(CFTR):c.4056G>C (p.Gln1352His) is a missense variant that results in the substitution of glutamine with histidine. This variant has been recurrently observed in individuals with CFTR-related disorders (PMID: 17719933; PMID: 20021716; PMID: 26089335; PMID: 27578509; PMID: 28608624). Functional evidence supports an impact on the gene or gene product. This classification is supported by population frequency inconsistent with a disease-causing role. Computational prediction algorithms are consistent with a deleterious effect. The currently available literature and clinical evidence are not sufficient to establish a definitive association between this variant and the reported condition. Therefore, this variant is classified as a variant of uncertain significance.

Labcorp Genetics (formerly Invitae), Labcorp
Classification: Benign for Cystic fibrosis. Last evaluated: 2026-02-02. Review status: criteria provided, single submitter. Criteria: Invitae Variant Classification Sherloc (09022015). Collection method: clinical testing. Allele origin: germline.

Quest Diagnostics Nichols Institute San Juan Capistrano
Classification: Uncertain significance. Last evaluated: 2025-10-09. Review status: criteria provided, single submitter. Criteria: Quest Diagnostics criteria. Collection method: clinical testing. Allele origin: unknown.
Comment: The CFTR c.4056G>C (p.Gln1352His) variant has been reported in the published literature in individuals described as having features of cystic fibrosis (CF) (PMIDs: 21779199 (2011), 26708955 (2016), 28608624 (2017), 31136843 (2019), 36409994 (2022), 39107787 (2024)). However, this variant is likely not associated with classic CF, but it may be associated with CFTR-related diseases such as congenital bilateral absence of the vas deferens (CBAVD) (PMIDs: 28603918 (2017), 30811104 (2019), 32777524 (2021), 34673937 (2021), 35119551 (2022), 39402445 (2024)), bronchiectasis (PMIDs: 12952861 (2003), 29997923 (2018)), and pancreatitis (PMIDs: 16187186 (2005), 32352720 (2020)). In addition, in vitro studies have reported that this variant has a moderate deleterious effect on CFTR protein expression and channel activity (PMID: 12952861 (2003), 38388235 (2024)). The frequency of this variant in the general population (Genome Aggregation Database) is higher than would generally be expected for pathogenic variants in this gene. Based on the available information, we are unable to determine the clinical significance of this variant.

Ambry Genetics
Classification: Uncertain significance for Cystic fibrosis. Last evaluated: 2025-09-28. Review status: criteria provided, single submitter. Criteria: Ambry Variant Classification Scheme 2023. Collection method: clinical testing. Allele origin: germline.
Comment: The p.Q1352H variant (also known as c.4056G>C), located in coding exon 25 of the CFTR gene, results from a G to C substitution at nucleotide position 4056. The glutamine at codon 1352 is replaced by histidine, an amino acid with highly similar properties. The variant has been reported in multiple Asian individuals with CFTR-related findings, including congenital absence of the vas deferens, chronic pancreatitis, and pulmonary disease cohorts; a few individuals were homozygotes and several had additional CFTR variants also detected (D&ouml;rk T et al. Hum. Genet., 1997 Sep;100:365-77; Anzai C et al. J. Cyst. Fibros., 2003 Mar;2:14-8; Lee JH et al. Hum. Mol. Genet., 2003 Sep;12:2321-32; Oka H et al. Intern Med, 2010 Jun;49:1251-2; Qiu L et al. Front Med, 2018 Oct;12:550-558; Iso M et al. Hum Genome Var, 2019 Apr;6:17; Yuan P et al. Andrology, 2019 05;7:329-340). In addition, in vitro functional studies showed that this variant results in a 70-80% reduction in the expression of the mature glycosylated CFTR protein and in chloride channel activity (Lee JH et al. Hum. Mol. Genet., 2003 Sep;12:2321-32). This amino acid position is highly conserved in available vertebrate species. In addition, this alteration is predicted to be deleterious by in silico analysis. Based on available evidence to date, this variant is unlikely to be causative of classic cystic fibrosis; however, its contribution to the development of a CFTR-related disorder is uncertain. Based on the available evidence, the clinical significance of this variant remains unclear.

Genesolutions, Medical Genetics Institutes, Ho Chi Minh City, Vietnam
Classification: Uncertain significance for Cystic fibrosis. Last evaluated: 2025-09-24. Review status: criteria provided, single submitter. Criteria: ACMG Guidelines, 2015. Collection method: clinical testing. Allele origin: germline. Affected: yes.

NM_000492.4(CFTR):c.4056G>C (p.Gln1352His)

Gene: CFTR (CF transmembrane conductance regulator; plus strand). Cytogenetic location: 7q31.2.
Variant type: single nucleotide variant.
Coding change: c.4056G>C on transcript NM_000492.4 (MANE Select); coding-DNA position 4056, G replaced by C.
Protein change: p.Gln1352His; replaces glutamine 1352 with histidine.
Molecular consequence: missense variant.
Genome position (GRCh38, 1-based): chr7:117,664,780, G>C. VCF-style: chr7-117664780-G-C. GRCh37 (hg19) VCF-style: chr7-117304834-G-C.
Other names: short protein forms Q1352H.
Identifiers: ClinVar variation 7237 (VCV000007237.65), dbSNP rs113857788, ClinGen allele CA325616.